The following is an entry in ClinVar:

ClinVar aggregate classification (germline): Uncertain significance (1 of 4 stars; one submission).

Allele frequency attached by ClinVar (database versions not stated): gnomAD 0.00001.
gnomAD v4.1: 21 of 1,579,804 alleles (0.0013%); highest among the groups gnomAD compares: Non-Finnish European, 0.0017%; no homozygotes.

Submission:

Labcorp Genetics (formerly Invitae), Labcorp
Classification: Uncertain significance. Last evaluated: 2025-07-30. Review status: criteria provided, single submitter. Criteria: Invitae Variant Classification Sherloc (09022015). Collection method: clinical testing. Allele origin: germline.
Comment: This sequence change replaces isoleucine, which is neutral and non-polar, with leucine, which is neutral and non-polar, at codon 272 of the ERBIN protein (p.Ile272Leu). This variant is present in population databases (rs756303996, gnomAD 0.006%). This variant has not been reported in the literature in individuals affected with ERBIN-related conditions. ClinVar contains an entry for this variant (Variation ID: 2902097). An algorithm developed to predict the effect of missense changes on protein structure and function (PolyPhen-2) suggests that this variant is likely to be tolerated. In summary, the available evidence is currently insufficient to determine the role of this variant in disease. Therefore, it has been classified as a Variant of Uncertain Significance.

NM_001253697.2(ERBIN):c.814A>C (p.Ile272Leu)

Gene: ERBIN (erbb2 interacting protein; plus strand). Cytogenetic location: 5q12.3.
Variant type: single nucleotide variant.
Coding change: c.814A>C on transcript NM_001253697.2 (MANE Select); coding-DNA position 814, A replaced by C.
Protein change: p.Ile272Leu; replaces isoleucine 272 with leucine.
Molecular consequence: missense variant.
Genome position (GRCh38, 1-based): chr5:66,024,447, A>C. VCF-style: chr5-66024447-A-C. GRCh37 (hg19) VCF-style: chr5-65320275-A-C.
Other names: c.814A>C, p.Ile272Leu (NM_001006600.3, NM_001253698.2, NM_001253699.2 and 2 more transcripts); short protein forms I272L.
Identifiers: ClinVar variation 2902097 (VCV002902097.3), dbSNP rs756303996, ClinGen allele CA3286041.